The following is an entry in ClinVar:

NM_001972.4(ELANE):c.247G>T (p.Val83Phe)

Gene: ELANE (elastase, neutrophil expressed; plus strand). Cytogenetic location: 19p13.3.
Variant type: single nucleotide variant.
Coding change: c.247G>T on transcript NM_001972.4 (MANE Select); coding-DNA position 247, G replaced by T.
Protein change: p.Val83Phe; replaces valine 83 with phenylalanine.
Molecular consequence: missense variant.
Genome position (GRCh38, 1-based): chr19:853,284, G>T. VCF-style: chr19-853284-G-T. GRCh37 (hg19) VCF-style: chr19-853284-G-T.
Other names: short protein forms V83F.
Identifiers: ClinVar variation 3275096 (VCV003275096.2).

ClinVar aggregate classification (germline): Uncertain significance (1 of 4 stars; one submission).

Conditions:
Inborn genetic diseases. Identifiers: MedGen C0950123, MeSH D030342.

Submission:

Ambry Genetics
Classification: Uncertain significance for Inborn genetic diseases. Last evaluated: 2026-08-24. Review status: criteria provided, single submitter. Criteria: Ambry Variant Classification Scheme 2023. Collection method: clinical testing. Allele origin: germline.
Comment: The p.V83F variant (also known as c.247G>T), located in coding exon 3 of the ELANE gene, results from a G to T substitution at nucleotide position 247. The valine at codon 83 is replaced by phenylalanine, an amino acid with highly similar properties. This amino acid position is conserved. In addition, this alteration is predicted to be deleterious by in silico analysis. Based on the available evidence, the clinical significance of this variant remains unclear.